The following is an entry in ClinVar:

NM_004444.5(EPHB4):c.835del (p.Leu279fs)

Gene: EPHB4 (EPH receptor B4; minus strand). Cytogenetic location: 7q22.1.
Variant type: Deletion.
Coding change: c.835del on transcript NM_004444.5 (MANE Select); coding-DNA position 835, one base deleted (C; older notation c.835delC).
Protein change: p.Leu279fs; shifts the reading frame from leucine 279.
Molecular consequence: frameshift variant.
Genome position (GRCh38, 1-based): chr7:100,820,270, G deleted on the plus strand (C on the coding strand, the reverse complement: EPHB4 is on the minus strand); the first of 4 consecutive G bases (chr7:100,820,270-100,820,273); deleting any one gives the same sequence. VCF-style (leftmost placement, unchanged base first): chr7-100820269-AG-A. GRCh37 (hg19) VCF-style: chr7-100417891-AG-A.
Other names: short protein forms L279fs.
Identifiers: ClinVar variation 5008162 (VCV005008162.1).

ClinVar aggregate classification (germline): Pathogenic (1 of 4 stars; one submission).

Submission:

GeneDx
Classification: Pathogenic. Last evaluated: 2026-03-03. Review status: criteria provided, single submitter. Criteria: GeneDx Variant Classification Process June 2021. Collection method: clinical testing. Allele origin: germline.
Comment: Frameshift variant predicted to result in protein truncation or nonsense mediated decay in a gene for which loss of function is a known mechanism of disease; Not observed at significant frequency in large population cohorts (gnomAD); Has not been previously published as pathogenic or benign to our knowledge